The following is an entry in ClinVar:

ClinVar aggregate classification (germline): Uncertain significance (1 of 4 stars; one submission).

Allele frequency attached by ClinVar (database versions not stated): gnomAD exomes below 0.00001.
gnomAD v4.1: 1 of 1,613,902 alleles (0.000062%); highest among the groups gnomAD compares: Non-Finnish European, 0.000085%; no homozygotes.

Submission:

Labcorp Genetics (formerly Invitae), Labcorp
Classification: Uncertain significance. Last evaluated: 2024-10-26. Review status: criteria provided, single submitter. Criteria: Invitae Variant Classification Sherloc (09022015). Collection method: clinical testing. Allele origin: germline.
Comment: This sequence change replaces leucine, which is neutral and non-polar, with proline, which is neutral and non-polar, at codon 1819 of the USH2A protein (p.Leu1819Pro). This variant is not present in population databases (gnomAD no frequency). This variant has not been reported in the literature in individuals affected with USH2A-related conditions. Invitae Evidence Modeling of protein sequence and biophysical properties (such as structural, functional, and spatial information, amino acid conservation, physicochemical variation, residue mobility, and thermodynamic stability) indicates that this missense variant is not expected to disrupt USH2A protein function with a negative predictive value of 95%. In summary, the available evidence is currently insufficient to determine the role of this variant in disease. Therefore, it has been classified as a Variant of Uncertain Significance.

NM_206933.4(USH2A):c.5456T>C (p.Leu1819Pro)

Genes: USH2A (usherin; minus strand), USH2A-AS2 (USH2A antisense RNA 2; plus strand). Cytogenetic location: 1q41.
Variant type: single nucleotide variant.
Coding change: c.5456T>C on transcript NM_206933.4 (MANE Select); coding-DNA position 5456, T replaced by C.
Protein change: p.Leu1819Pro; replaces leucine 1819 with proline.
Molecular consequence: missense variant.
Genome position (GRCh38, 1-based): chr1:216,078,205, A>G on the plus strand (T>C on the coding strand, the complement: USH2A is on the minus strand). VCF-style: chr1-216078205-A-G. GRCh37 (hg19) VCF-style: chr1-216251547-A-G.
Other names: short protein forms L1819P.
Identifiers: ClinVar variation 2878794 (VCV002878794.3), dbSNP rs2527792446, ClinGen allele CA344856119.